The following is an entry in ClinVar:

ClinVar aggregate classification (germline): Conflicting classifications of pathogenicity. Review status: criteria provided, conflicting classifications (1 of 4 stars). 3 submissions from 3 submitters: Uncertain significance (1); Likely benign (1). 1 of the submissions does not count toward it. Last evaluated 2025-11-05.

Conditions:
AMACR-related disorder. Also called: AMACR-Related Disorders; AMACR-related condition.
Alpha-methylacyl-CoA racemase deficiency (AMACRD). Also called: AMACR deficiency. Identifiers: Orphanet 79095, MedGen C3280428, MONDO:0013681, OMIM 614307. Disease mechanism: loss of function.

Allele frequency attached by ClinVar (database versions not stated): gnomAD exomes below 0.00001 and 0.00001; ExAC 0.00002; TOPMed 0.00003; gnomAD 0.00004.
gnomAD v4.1: 9 of 1,614,022 alleles (0.00056%); highest among the groups gnomAD compares: African/African-American, 0.011%; no homozygotes.

Submissions (3):

Labcorp Genetics (formerly Invitae), Labcorp
Classification: Likely benign for Alpha-methylacyl-CoA racemase deficiency. Last evaluated: 2025-11-05. Review status: criteria provided, single submitter. Criteria: Invitae Variant Classification Sherloc (09022015). Collection method: clinical testing. Allele origin: germline.

Eurofins Ntd Llc (ga)
Classification: Uncertain significance. Last evaluated: 2017-05-08. Review status: criteria provided, single submitter. Criteria: EGL Classification Definitions 2015. Collection method: clinical testing. Allele origin: germline. Observed: 1 variant allele, 1 heterozygote.

PreventionGenetics, part of Exact Sciences
Classification: Likely benign for AMACR-related condition. Last evaluated: 2021-03-29. Review status: no assertion criteria provided. Collection method: clinical testing. Allele origin: germline. Not counted in ClinVar's aggregate classification.
Comment: This variant is classified as likely benign based on ACMG/AMP sequence variant interpretation guidelines (Richards et al. 2015 PMID: 25741868, with internal and published modifications).

NM_014324.6(AMACR):c.1011C>T (p.Ile337=)

Genes: C1QTNF3-AMACR (C1QTNF3-AMACR readthrough (NMD candidate); minus strand), AMACR (alpha-methylacyl-CoA racemase; minus strand). Cytogenetic location: 5p13.2.
Variant type: single nucleotide variant.
Coding change: c.1011C>T on transcript NM_014324.6 (MANE Select); coding-DNA position 1011, C replaced by T.
Protein change: p.Ile337=; no amino-acid change (isoleucine 337 retained).
Molecular consequence: synonymous variant. On other transcripts: non-coding transcript variant (1), 3 prime UTR variant (1).
Genome position (GRCh38, 1-based): chr5:33,989,231, G>A on the plus strand (C>T on the coding strand, the complement: AMACR is on the minus strand). VCF-style: chr5-33989231-G-A. GRCh37 (hg19) VCF-style: chr5-33989336-G-A.
Other names: c.1011C>T, p.Ile337= (NM_001167595.2); c.*253C>T (NM_203382.3); c.1011C>T (NM_014324.5).
Identifiers: ClinVar variation 501944 (VCV000501944.14), dbSNP rs779290495, ClinGen allele CA3225971.